The following is an entry in ClinVar:

ClinVar aggregate classification (germline): Uncertain significance (1 of 4 stars; one submission).

Submission:

Labcorp Genetics (formerly Invitae), Labcorp
Classification: Uncertain significance. Last evaluated: 2022-08-23. Review status: criteria provided, single submitter. Criteria: Invitae Variant Classification Sherloc (09022015). Collection method: clinical testing. Allele origin: germline.
Comment: This sequence change falls in intron 4 of the FCHO1 gene. It does not directly change the encoded amino acid sequence of the FCHO1 protein. It affects a nucleotide within the consensus splice site. This variant is not present in population databases (gnomAD no frequency). This variant has not been reported in the literature in individuals affected with FCHO1-related conditions. ClinVar contains an entry for this variant (Variation ID: 1499707). Variants that disrupt the consensus splice site are a relatively common cause of aberrant splicing (PMID: 17576681, 9536098). Algorithms developed to predict the effect of sequence changes on RNA splicing suggest that this variant is not likely to affect RNA splicing. In summary, the available evidence is currently insufficient to determine the role of this variant in disease. Therefore, it has been classified as a Variant of Uncertain Significance.

Literature cited by the submitters: PubMed 17576681; PubMed 9536098.

NM_015122.3(FCHO1):c.28-3C>A

Gene: FCHO1 (FCH and mu domain containing endocytic adaptor 1; plus strand). Cytogenetic location: 19p13.11.
Variant type: single nucleotide variant.
Coding change: c.28-3C>A on transcript NM_015122.3 (MANE Select); 3 bases into the intron before coding-DNA position 28, C replaced by A.
Molecular consequence: intron variant.
Genome position (GRCh38, 1-based): chr19:17,762,759, C>A. VCF-style: chr19-17762759-C-A. GRCh37 (hg19) VCF-style: chr19-17873568-C-A.
Other names: c.28-3C>A (NM_001384370.1, NM_001384396.1, NM_001384404.1 and 30 more transcripts); c.-123-3C>A (NM_001384406.1, NM_001384407.1, NM_001384384.1 and 3 more transcripts).
Identifiers: ClinVar variation 1499707 (VCV001499707.6), dbSNP rs1345164601, ClinGen allele CA404747670.